The following is an entry in ClinVar:

NM_001382637.1(OTUD7A):c.2235G>T (p.Ala745=)

Gene: OTUD7A (OTU deubiquitinase 7A; minus strand). Cytogenetic location: 15q13.3.
Variant type: single nucleotide variant.
Coding change: c.2235G>T on transcript NM_001382637.1 (MANE Select); coding-DNA position 2235, G replaced by T.
Protein change: p.Ala745=; no amino-acid change (alanine 745 retained).
Molecular consequence: synonymous variant.
Genome position (GRCh38, 1-based): chr15:31,483,861, C>A on the plus strand (G>T on the coding strand, the complement: OTUD7A is on the minus strand). VCF-style: chr15-31483861-C-A. GRCh37 (hg19) VCF-style: chr15-31776064-C-A.
Other names: c.2214G>T, p.Ala738= (NM_130901.3); c.2214G>T (NM_130901.2).
Identifiers: ClinVar variation 2645113 (VCV002645113.26), dbSNP rs867747505, ClinGen allele CA267560911.

ClinVar aggregate classification (germline): Benign/Likely benign. Review status: criteria provided, multiple submitters, no conflicts (2 of 4 stars). 3 submissions from 3 submitters: Benign (1); Likely benign (1). 1 of the submissions does not count toward it. Last evaluated 2024-10-28.

Conditions:
OTUD7A-related disorder. Also called: OTUD7A-related condition.

Allele frequency attached by ClinVar (database versions not stated): gnomAD exomes 0.00029; gnomAD 0.00032; 1000 Genomes Project 30x 0.00172.

Submissions (3):

Blueprint Genetics
Classification: Likely benign. Last evaluated: 2024-10-28. Review status: criteria provided, single submitter. Criteria: ACMG Guidelines, 2015. Collection method: clinical testing. Allele origin: germline.

CeGaT Center for Human Genetics Tuebingen
Classification: Benign. Last evaluated: 2022-04-01. Review status: criteria provided, single submitter. Criteria: CeGaT Center For Human Genetics Tuebingen Variant Classification Criteria Version 2. Collection method: clinical testing. Allele origin: germline. Affected: yes. Observed: 1 variant allele.
Comment: OTUD7A: BS1, BS2

PreventionGenetics, part of Exact Sciences
Classification: Likely benign for OTUD7A-related condition. Last evaluated: 2019-08-12. Review status: no assertion criteria provided. Collection method: clinical testing. Allele origin: germline. Not counted in ClinVar's aggregate classification.
Comment: This variant is classified as likely benign based on ACMG/AMP sequence variant interpretation guidelines (Richards et al. 2015 PMID: 25741868, with internal and published modifications).